The following is an entry in ClinVar:

ClinVar aggregate classification (germline): Uncertain significance. Review status: criteria provided, multiple submitters, no conflicts (2 of 4 stars). 2 submissions from 2 submitters: Uncertain significance (2). Last evaluated 2025-10-06.

Conditions:
Hereditary cancer-predisposing syndrome. Also called: Neoplastic Syndromes, Hereditary; Hereditary Cancer Syndrome; Tumor predisposition; Hereditary neoplastic syndrome. Identifiers: Orphanet 140162, MedGen C0027672, MeSH D009386, MONDO:0015356.
Bloom syndrome (BLM). Also called: Bloom-Torre-Machacek syndrome. Identifiers: Orphanet 125, MedGen C0005859, MONDO:0008876, OMIM 210900.

Submissions (2):

Ambry Genetics
Classification: Uncertain significance for Hereditary cancer-predisposing syndrome. Last evaluated: 2025-10-06. Review status: criteria provided, single submitter. Criteria: Ambry Variant Classification Scheme 2023. Collection method: clinical testing. Allele origin: germline.
Comment: The p.S1374F variant (also known as c.4121C>T), located in coding exon 21 of the BLM gene, results from a C to T substitution at nucleotide position 4121. The serine at codon 1374 is replaced by phenylalanine, an amino acid with highly dissimilar properties. This amino acid position is conserved. In addition, this alteration is predicted to be tolerated by in silico analysis. Based on the available evidence, the clinical significance of this variant remains unclear.

Labcorp Genetics (formerly Invitae), Labcorp
Classification: Uncertain significance for Bloom syndrome. Last evaluated: 2023-12-12. Review status: criteria provided, single submitter. Criteria: Invitae Variant Classification Sherloc (09022015). Collection method: clinical testing. Allele origin: germline.
Comment: This sequence change replaces serine, which is neutral and polar, with phenylalanine, which is neutral and non-polar, at codon 1374 of the BLM protein (p.Ser1374Phe). This variant is not present in population databases (gnomAD no frequency). This variant has not been reported in the literature in individuals affected with BLM-related conditions. ClinVar contains an entry for this variant (Variation ID: 1037412). An algorithm developed to predict the effect of missense changes on protein structure and function (PolyPhen-2) suggests that this variant is likely to be disruptive. In summary, the available evidence is currently insufficient to determine the role of this variant in disease. Therefore, it has been classified as a Variant of Uncertain Significance.

NM_000057.4(BLM):c.4121C>T (p.Ser1374Phe)

Gene: BLM (BLM RecQ like helicase; plus strand). Cytogenetic location: 15q26.1.
Variant type: single nucleotide variant.
Coding change: c.4121C>T on transcript NM_000057.4 (MANE Select); coding-DNA position 4121, C replaced by T.
Protein change: p.Ser1374Phe; replaces serine 1374 with phenylalanine.
Molecular consequence: missense variant.
Genome position (GRCh38, 1-based): chr15:90,815,146, C>T. VCF-style: chr15-90815146-C-T. GRCh37 (hg19) VCF-style: chr15-91358376-C-T.
Other names: c.4121C>T (NM_000057.2); c.4121C>T, p.Ser1374Phe (NM_001287246.2); c.3728C>T, p.Ser1243Phe (NM_001287247.2); c.2996C>T, p.Ser999Phe (NM_001287248.2); short protein forms S1243F, S999F, S1374F.
Identifiers: ClinVar variation 1037412 (VCV001037412.10), dbSNP rs1897526347, ClinGen allele CA393852201.